The following is an entry in ClinVar:

ClinVar aggregate classification (germline): Uncertain significance (1 of 4 stars; one submission).

Submission:

Labcorp Genetics (formerly Invitae), Labcorp
Classification: Uncertain significance. Last evaluated: 2025-12-23. Review status: criteria provided, single submitter. Criteria: Invitae Variant Classification Sherloc (09022015). Collection method: clinical testing. Allele origin: germline.
Comment: This sequence change replaces lysine, which is basic and polar, with methionine, which is neutral and non-polar, at codon 62 of the LEMD3 protein (p.Lys62Met). This variant is not present in population databases (gnomAD no frequency). This variant has not been reported in the literature in individuals affected with LEMD3-related conditions. An algorithm developed to predict the effect of missense changes on protein structure and function (PolyPhen-2) suggests that this variant is likely to be disruptive. In summary, the available evidence is currently insufficient to determine the role of this variant in disease. Therefore, it has been classified as a Variant of Uncertain Significance.

NM_014319.5(LEMD3):c.185A>T (p.Lys62Met)

Gene: LEMD3 (LEM domain containing 3; plus strand). Cytogenetic location: 12q14.3.
Variant type: single nucleotide variant.
Coding change: c.185A>T on transcript NM_014319.5 (MANE Select); coding-DNA position 185, A replaced by T.
Protein change: p.Lys62Met; replaces lysine 62 with methionine.
Molecular consequence: missense variant.
Genome position (GRCh38, 1-based): chr12:65,169,781, A>T. VCF-style: chr12-65169781-A-T. GRCh37 (hg19) VCF-style: chr12-65563561-A-T.
Other names: c.185A>T, p.Lys62Met (NM_001167614.2); short protein forms K62M.
Identifiers: ClinVar variation 4765178 (VCV004765178.1).